The following is an entry in ClinVar:

NM_000051.4(ATM):c.78A>T (p.Glu26Asp)

Gene: ATM (ATM serine/threonine kinase; plus strand). Cytogenetic location: 11q22.3.
Variant type: single nucleotide variant.
Coding change: c.78A>T on transcript NM_000051.4 (MANE Select); coding-DNA position 78, A replaced by T.
Protein change: p.Glu26Asp; replaces glutamic acid 26 with aspartic acid.
Molecular consequence: missense variant.
Genome position (GRCh38, 1-based): chr11:108,227,781, A>T. VCF-style: chr11-108227781-A-T. GRCh37 (hg19) VCF-style: chr11-108098508-A-T.
Other names: c.78A>T, p.Glu26Asp (NM_001351834.2, NM_001351835.2, NM_001351836.2); short protein forms E26D.
Identifiers: ClinVar variation 186439 (VCV000186439.34), dbSNP rs786202953, ClinGen allele CA194814.

ClinVar aggregate classification (germline): Uncertain significance. Review status: criteria provided, multiple submitters, no conflicts (2 of 4 stars). 10 submissions from 10 submitters: Uncertain significance (9). 1 of the submissions does not count toward it. Last evaluated 2025-11-17.

Conditions:
ATM-related disorder. Also called: ATM-related disorders; ATM-related condition.
Hereditary cancer-predisposing syndrome. Also called: Neoplastic Syndromes, Hereditary; Tumor predisposition; Hereditary neoplastic syndrome; Hereditary Cancer Syndrome. Identifiers: Orphanet 140162, MedGen C0027672, MeSH D009386, MONDO:0015356.
Familial cancer of breast. Also called: Hereditary breast cancer; BREAST CANCER, FAMILIAL; hereditary breast carcinoma. Identifiers: Orphanet 227535, MedGen C0346153, MONDO:0016419, OMIM 114480. Disease mechanism: loss of function.
Ataxia-telangiectasia syndrome (AT). Also called: Cerebello-oculocutaneous telangiectasia; Immunodeficiency with ataxia telangiectasia; AT, COMPLEMENTATION GROUP C; LOUIS-BAR SYNDROME; Ataxia-telangiectasia, complementation group E; ATAXIA-TELANGIECTASIA, COMPLEMENTATION GROUP A. Identifiers: Orphanet 100, MedGen C0004135, MONDO:0008840, OMIM 208900.

Allele frequency attached by ClinVar (database versions not stated): gnomAD 0.00001; gnomAD exomes 0.00001 and 0.00002; TOPMed 0.00001.
gnomAD v4.1: 24 of 1,613,572 alleles (0.0015%); highest among the groups gnomAD compares: Non-Finnish European, 0.002%; no homozygotes.

Submissions (10):

Labcorp Genetics (formerly Invitae), Labcorp
Classification: Uncertain significance for Ataxia-telangiectasia syndrome. Last evaluated: 2025-11-17. Review status: criteria provided, single submitter. Criteria: Invitae Variant Classification Sherloc (09022015). Collection method: clinical testing. Allele origin: germline.
Comment: This sequence change replaces glutamic acid, which is acidic and polar, with aspartic acid, which is acidic and polar, at codon 26 of the ATM protein (p.Glu26Asp). This variant is present in population databases (rs786202953, gnomAD 0.002%). This missense change has been observed in individual(s) with prostate cancer (PMID: 33436325). ClinVar contains an entry for this variant (Variation ID: 186439). Invitae Evidence Modeling of protein sequence and biophysical properties (such as structural, functional, and spatial information, amino acid conservation, physicochemical variation, residue mobility, and thermodynamic stability) indicates that this missense variant is not expected to disrupt ATM protein function with a negative predictive value of 95%. RNA analysis performed to evaluate the impact of this missense change on mRNA splicing indicates it does not significantly alter splicing (internal data). In summary, the available evidence is currently insufficient to determine the role of this variant in disease. Therefore, it has been classified as a Variant of Uncertain Significance.

Women's Health and Genetics/Laboratory Corporation of America, LabCorp
Classification: Uncertain significance. Last evaluated: 2025-10-27. Review status: criteria provided, single submitter. Criteria: LabCorp Variant Classification Summary - May 2015. Collection method: clinical testing. Allele origin: germline.
Comment: Variant summary: ATM c.78A>T (p.Glu26Asp) results in a conservative amino acid change located in the telomere-length maintenance and DNA damage repair domain (IPR021668) of the encoded protein sequence. Algorithms developed to predict the effect of missense changes on protein structure and function are either unavailable or do not agree on the potential impact of this missense change. The variant allele was found at a frequency of 8e-06 in 251078 control chromosomes (gnomAD). The available data on variant occurrences in the general population are insufficient to allow any conclusion about variant significance. c.78A>T has been reported in the literature in at least one individual affected with Prostate Cancer (e.g. Karlsson_2021). This report does not provide unequivocal conclusions about association of the variant with Prostate Cancer. To our knowledge, no experimental evidence demonstrating an impact on protein function has been reported. The following publication have been ascertained in the context of this evaluation (PMID: 33436325). ClinVar contains an entry for this variant (Variation ID: 186439). Based on the evidence outlined above, the variant was classified as uncertain significance.

Ambry Genetics
Classification: Uncertain significance for Hereditary cancer-predisposing syndrome. Last evaluated: 2025-03-05. Review status: criteria provided, single submitter. Criteria: Ambry Variant Classification Scheme 2023. Collection method: clinical testing. Allele origin: germline.
Comment: The p.E26D variant (also known as c.78A>T), located in coding exon 2 of the ATM gene, results from an A to T substitution at nucleotide position 78. The glutamic acid at codon 26 is replaced by aspartic acid, an amino acid with highly similar properties. This variant was reported in 1/5560 prostate cancer cases and in 0/3353 controls of European ancestry (Karlsson Q et al. Eur Urol Oncol, 2021 Aug;4:570-579). This alteration has also been reported in at least one subject in a study of 13087 breast cancer cases and 5488 control individuals in the UK (Decker B et al. J Med Genet, 2017 Nov;54:732-741). This amino acid position is well conserved in available vertebrate species. In addition, this alteration is predicted to be tolerated by in silico analysis. Based on the available evidence, the clinical significance of this variant remains unclear.

PreventionGenetics, part of Exact Sciences
Classification: Uncertain significance for ATM-related condition. Last evaluated: 2024-10-14. Review status: criteria provided, single submitter. Criteria: ACMG Guidelines, 2015. Collection method: clinical testing. Allele origin: germline.
Comment: The ATM c.78A>T variant is predicted to result in the amino acid substitution p.Glu26Asp. This variant was reported as a variant of uncertain significance in a large prostate cancer study (Karlsson et al. 2021. PubMed ID: 33436325). This variant is reported in 0.0023% of alleles in individuals of European (Non-Finnish) descent in gnomAD and is interpreted as uncertain in ClinVar. At this time, the clinical significance of this variant is uncertain due to the absence of conclusive functional and genetic evidence.

Quest Diagnostics Nichols Institute San Juan Capistrano
Classification: Uncertain significance. Last evaluated: 2024-02-15. Review status: criteria provided, single submitter. Criteria: Quest Diagnostics criteria. Collection method: clinical testing. Allele origin: unknown.

ARUP Laboratories, Molecular Genetics and Genomics, ARUP Laboratories
Classification: Uncertain significance. Last evaluated: 2023-11-30. Review status: criteria provided, single submitter. Criteria: ARUP Molecular Germline Variant Investigation Process 2024. Collection method: clinical testing. Allele origin: germline.
Comment: The ATM c.78A>T; p.Glu26Asp variant (rs786202953) is reported in an individual with prostate cancer (Karlsson 2021). This variant is also reported in ClinVar (Variation ID: 186439). It is observed in the general population with an overall allele frequency of 0.001% (3/282468 alleles) in the Genome Aggregation Database (v2.1.1). Computational analyses are uncertain whether this variant is neutral or deleterious (REVEL: 0.16). Due to limited information, the clinical significance of this variant is uncertain at this time. References: Karlsson Q et al. Rare Germline Variants in ATM Predispose to Prostate Cancer: A PRACTICAL Consortium Study. Eur Urol Oncol. 2021 Aug;4(4):570-579. PMID: 33436325.

GeneDx
Classification: Uncertain significance. Last evaluated: 2023-10-30. Review status: criteria provided, single submitter. Criteria: GeneDx Variant Classification Process June 2021. Collection method: clinical testing. Allele origin: germline. Affected: yes.
Comment: Not observed at significant frequency in large population cohorts (gnomAD); Identified in an individual with prostate cancer (PMID: 33436325); In silico analysis supports that this missense variant does not alter protein structure/function; In silico analysis suggests this variant may impact gene splicing. In the absence of RNA/functional studies, the actual effect of this sequence change is unknown.; This variant is associated with the following publications: (PMID: 28779002, 33436325)

Baylor Genetics
Classification: Uncertain significance for Familial cancer of breast. Last evaluated: 2023-07-26. Review status: criteria provided, single submitter. Criteria: ACMG Guidelines, 2015. Collection method: clinical testing. Allele origin: unknown.

Color Diagnostics, LLC DBA Color Health
Classification: Uncertain significance for Hereditary cancer-predisposing syndrome. Last evaluated: 2022-04-18. Review status: criteria provided, single submitter. Criteria: ACMG Guidelines, 2015. Collection method: clinical testing. Allele origin: germline.
Comment: This missense variant replaces glutamic acid with aspartic acid at codon 26 of the ATM protein. Computational prediction suggests that this variant may not impact protein structure and function (internally defined REVEL score threshold <= 0.5, PMID: 27666373). To our knowledge, functional studies have not been reported for this variant. In a large international case-control study, this variant was reported in 1/60466 breast cancer cases and 1/53461 controls (PMID: 33471991). This variant has been identified in 3/282468 chromosomes in the general population by the Genome Aggregation Database (gnomAD). The available evidence is insufficient to determine the role of this variant in disease conclusively. Therefore, this variant is classified as a Variant of Uncertain Significance.

Natera, Inc.
Classification: Uncertain significance for Ataxia-telangiectasia. Last evaluated: 2021-06-09. Review status: no assertion criteria provided. Collection method: clinical testing. Allele origin: germline. Not counted in ClinVar's aggregate classification.

Literature cited by the submitters: PubMed 33436325 (cited by 4 submitters); PubMed 28779002 (cited by Ambry Genetics and Quest Diagnostics Nichols Institute San Juan Capistrano); PubMed 33471991 (cited by Quest Diagnostics Nichols Institute San Juan Capistrano and Color Diagnostics, LLC DBA Color Health).